The following is an entry in ClinVar:

NM_015268.4(DNAJC13):c.3651C>T (p.Ala1217=)

Gene: DNAJC13 (DnaJ heat shock protein family (Hsp40) member C13; plus strand). Cytogenetic location: 3q22.1.
Variant type: single nucleotide variant.
Coding change: c.3651C>T on transcript NM_015268.4 (MANE Select); coding-DNA position 3651, C replaced by T.
Protein change: p.Ala1217=; no amino-acid change (alanine 1217 retained).
Molecular consequence: synonymous variant.
Genome position (GRCh38, 1-based): chr3:132,492,441, C>T. VCF-style: chr3-132492441-C-T. GRCh37 (hg19) VCF-style: chr3-132211285-C-T.
Other names: p.Ala1217=; c.3666C>T, p.Ala1222= (NM_001329126.2).
Identifiers: ClinVar variation 1282465 (VCV001282465.5), dbSNP rs61748100, ClinGen allele CA2619336.

ClinVar aggregate classification (germline): Benign. Review status: criteria provided, multiple submitters, no conflicts (2 of 4 stars). 4 submissions from 4 submitters: Benign (3). 1 of the submissions does not count toward it. Last evaluated 2022-03-23.

Conditions:
DNAJC13-related disorder. Also called: DNAJC13-related condition.

Allele frequency attached by ClinVar (database versions not stated): 1000 Genomes Project 0.01318; ESP Exome Variant Server 0.00984; 1000 Genomes Project 30x 0.01359; gnomAD 0.01048 and 0.01134; TOPMed 0.01287.
gnomAD v4.1: 23,553 of 1,613,778 alleles (1.5%); highest among the groups gnomAD compares: Admixed American, 5.1%; 300 homozygotes.

Submissions (4):

Mayo Clinic Laboratories, Mayo Clinic
Classification: Benign. Last evaluated: 2022-03-23. Review status: criteria provided, single submitter. Criteria: ACMG Guidelines, 2015. Collection method: clinical testing. Allele origin: germline. Observed: 22 variant alleles.

GeneDx
Classification: Benign. Last evaluated: 2018-07-14. Review status: criteria provided, single submitter. Criteria: GeneDx Variant Classification Process June 2021. Collection method: clinical testing. Allele origin: germline. Affected: yes.

Breakthrough Genomics
Classification: Benign. Review status: criteria provided, single submitter. Criteria: ACMG Guidelines, 2015. Collection method: not provided. Allele origin: germline. Inheritance: Unknown mechanism. Affected: yes.

PreventionGenetics, part of Exact Sciences
Classification: Benign for DNAJC13-related condition. Last evaluated: 2019-06-12. Review status: no assertion criteria provided. Collection method: clinical testing. Allele origin: germline. Not counted in ClinVar's aggregate classification.
Comment: This variant is classified as benign based on ACMG/AMP sequence variant interpretation guidelines (Richards et al. 2015 PMID: 25741868, with internal and published modifications).